The following is an entry in ClinVar:

NM_004586.3(RPS6KA3):c.1570A>C (p.Thr524Pro)

Gene: RPS6KA3 (ribosomal protein S6 kinase A3; minus strand). Cytogenetic location: Xp22.12.
Variant type: single nucleotide variant.
Coding change: c.1570A>C on transcript NM_004586.3 (MANE Select); coding-DNA position 1570, A replaced by C.
Protein change: p.Thr524Pro; replaces threonine 524 with proline.
Molecular consequence: missense variant.
Genome position (GRCh38, 1-based): chrX:20,167,621, T>G on the plus strand (A>C on the coding strand, the complement: RPS6KA3 is on the minus strand). VCF-style: chrX-20167621-T-G. GRCh37 (hg19) VCF-style: chrX-20185739-T-G.
Other names: c.1486A>C, p.Thr496Pro (NM_001438340.1); short protein forms T496P, T524P.
Identifiers: ClinVar variation 5020717 (VCV005020717.1).

ClinVar aggregate classification (germline): Uncertain significance (1 of 4 stars; one submission).

Submission:

Dasa
Classification: Uncertain significance. Last evaluated: 2026-01-30. Review status: criteria provided, single submitter. Criteria: DASA Assertion Criteria. Collection method: clinical testing. Allele origin: germline.
Comment: NM_004586.3(RPS6KA3):c.1570A>C (p.Thr524Pro) is a missense variant that results in the substitution of threonine with proline. This variant is rare in population databases. The currently available literature and clinical evidence are not sufficient to establish a definitive association between this variant and the reported condition. Therefore, this variant is classified as a variant of uncertain significance.